The following is an entry in ClinVar:

NM_033026.6(PCLO):c.7732G>A (p.Glu2578Lys)

Gene: PCLO (piccolo presynaptic cytomatrix protein; minus strand). Cytogenetic location: 7q21.11.
Variant type: single nucleotide variant.
Coding change: c.7732G>A on transcript NM_033026.6 (MANE Select); coding-DNA position 7732, G replaced by A.
Protein change: p.Glu2578Lys; replaces glutamic acid 2578 with lysine.
Molecular consequence: missense variant.
Genome position (GRCh38, 1-based): chr7:82,953,221, C>T on the plus strand (G>A on the coding strand, the complement: PCLO is on the minus strand). VCF-style: chr7-82953221-C-T. GRCh37 (hg19) VCF-style: chr7-82582537-C-T.
Other names: c.7732G>A, p.Glu2578Lys (NM_014510.3); short protein forms E2578K.
Identifiers: ClinVar variation 1380280 (VCV001380280.3), dbSNP rs781429295, ClinGen allele CA4320251.

ClinVar aggregate classification (germline): Uncertain significance (1 of 4 stars; one submission).

Allele frequency attached by ClinVar (database versions not stated): gnomAD exomes below 0.00001 and 0.00001; ExAC 0.00001; TOPMed 0.00002; gnomAD 0.00003.
gnomAD v4.1: 21 of 1,613,786 alleles (0.0013%); highest among the groups gnomAD compares: Non-Finnish European, 0.0018%; no homozygotes.

Submission:

Labcorp Genetics (formerly Invitae), Labcorp
Classification: Uncertain significance. Last evaluated: 2022-05-17. Review status: criteria provided, single submitter. Criteria: Invitae Variant Classification Sherloc (09022015). Collection method: clinical testing. Allele origin: germline.
Comment: This sequence change replaces glutamic acid, which is acidic and polar, with lysine, which is basic and polar, at codon 2578 of the PCLO protein (p.Glu2578Lys). This variant is present in population databases (rs781429295, gnomAD 0.0009%). This variant has not been reported in the literature in individuals affected with PCLO-related conditions. Algorithms developed to predict the effect of missense changes on protein structure and function are either unavailable or do not agree on the potential impact of this missense change (SIFT: "Tolerated"; PolyPhen-2: "Not Available"; Align-GVGD: "Class C0"). In summary, the available evidence is currently insufficient to determine the role of this variant in disease. Therefore, it has been classified as a Variant of Uncertain Significance.